The following is an entry in ClinVar:

NM_170606.3(KMT2C):c.12092C>T (p.Pro4031Leu)

Gene: KMT2C (lysine methyltransferase 2C; minus strand). Cytogenetic location: 7q36.1.
Variant type: single nucleotide variant.
Coding change: c.12092C>T on transcript NM_170606.3 (MANE Select); coding-DNA position 12092, C replaced by T.
Protein change: p.Pro4031Leu; replaces proline 4031 with leucine.
Molecular consequence: missense variant.
Genome position (GRCh38, 1-based): chr7:152,154,314, G>A on the plus strand (C>T on the coding strand, the complement: KMT2C is on the minus strand). VCF-style: chr7-152154314-G-A. GRCh37 (hg19) VCF-style: chr7-151851399-G-A.
Other names: short protein forms P4031L.
Identifiers: ClinVar variation 1509319 (VCV001509319.6), dbSNP rs776400633, ClinGen allele CA4578899.
Genomic context (GRCh38, chr7:152,154,314, plus strand): 5'-GTGTTGTTCTTACTTTTCCCAGCAGTGCTAGGAAGAATTGGAATGATGGGGGACGGCACC[G>A]GTTCTGGAGGCTCCTCCTTGACCAATGACAGATCTGGATACCTGCTCACTTCTACCCCAA-3'
Protein context (NP_733751.2, residues 4021-4041): LSLVKEEPPE[Pro4031Leu]VPSPIIPILP

ClinVar aggregate classification (germline): Uncertain significance (1 of 4 stars; one submission).

Allele frequency attached by ClinVar (database versions not stated): gnomAD exomes below 0.00001; ExAC 0.00001; gnomAD 0.00001; TOPMed 0.00002.
gnomAD v4.1: 5 of 1,614,036 alleles (0.00031%); highest among the groups gnomAD compares: East Asian, 0.0022%; no homozygotes.

Submission:

Labcorp Genetics (formerly Invitae), Labcorp
Classification: Uncertain significance. Last evaluated: 2022-07-06. Review status: criteria provided, single submitter. Criteria: Invitae Variant Classification Sherloc (09022015). Collection method: clinical testing. Allele origin: germline.
Comment: In summary, the available evidence is currently insufficient to determine the role of this variant in disease. Therefore, it has been classified as a Variant of Uncertain Significance. Algorithms developed to predict the effect of missense changes on protein structure and function are either unavailable or do not agree on the potential impact of this missense change (SIFT: "Deleterious"; PolyPhen-2: "Probably Damaging"; Align-GVGD: "Class C0"). ClinVar contains an entry for this variant (Variation ID: 1509319). This variant has not been reported in the literature in individuals affected with KMT2C-related conditions. This variant is present in population databases (rs776400633, gnomAD 0.0009%). This sequence change replaces proline, which is neutral and non-polar, with leucine, which is neutral and non-polar, at codon 4031 of the KMT2C protein (p.Pro4031Leu).